The following is an entry in ClinVar:

NM_003632.3(CNTNAP1):c.3276C>T (p.Ser1092=)

Gene: CNTNAP1 (contactin associated protein 1; plus strand). Cytogenetic location: 17q21.2.
Variant type: single nucleotide variant.
Coding change: c.3276C>T on transcript NM_003632.3 (MANE Select); coding-DNA position 3276, C replaced by T.
Protein change: p.Ser1092=; no amino-acid change (serine 1092 retained).
Molecular consequence: synonymous variant.
Genome position (GRCh38, 1-based): chr17:42,695,804, C>T. VCF-style: chr17-42695804-C-T. GRCh37 (hg19) VCF-style: chr17-40847822-C-T.
Identifiers: ClinVar variation 732435 (VCV000732435.11), dbSNP rs757407429, ClinGen allele CA8582274.

ClinVar aggregate classification (germline): Likely benign. Review status: criteria provided, single submitter (1 of 4 stars). 2 submissions from 2 submitters: Likely benign (1). 1 of the submissions does not count toward it. Last evaluated 2025-01-08.

Conditions:
CNTNAP1-related disorder. Also called: CNTNAP1-related disease; CNTNAP1-related condition.

Allele frequency attached by ClinVar (database versions not stated): gnomAD 0.00007 and 0.00008; TOPMed 0.00008; ExAC 0.00022; gnomAD exomes 0.00012 and 0.00019.
gnomAD v4.1: 186 of 1,614,118 alleles (0.012%); highest among the groups gnomAD compares: Middle Eastern, 0.066%; no homozygotes.

Submissions (2):

Labcorp Genetics (formerly Invitae), Labcorp
Classification: Likely benign. Last evaluated: 2025-01-08. Review status: criteria provided, single submitter. Criteria: Invitae Variant Classification Sherloc (09022015). Collection method: clinical testing. Allele origin: germline.

PreventionGenetics, part of Exact Sciences
Classification: Likely benign for CNTNAP1-related condition. Last evaluated: 2019-09-17. Review status: no assertion criteria provided. Collection method: clinical testing. Allele origin: germline. Not counted in ClinVar's aggregate classification.
Comment: This variant is classified as likely benign based on ACMG/AMP sequence variant interpretation guidelines (Richards et al. 2015 PMID: 25741868, with internal and published modifications).